The following is an entry in ClinVar:

NM_017635.5(KMT5B):c.904G>T (p.Glu302Ter)

Gene: KMT5B (lysine methyltransferase 5B; minus strand). Cytogenetic location: 11q13.2.
Variant type: single nucleotide variant.
Coding change: c.904G>T on transcript NM_017635.5 (MANE Select); coding-DNA position 904, G replaced by T.
Protein change: p.Glu302Ter; replaces glutamic acid 302 with a stop codon.
Molecular consequence: nonsense. On other transcripts: non-coding transcript variant (3).
Genome position (GRCh38, 1-based): chr11:68,171,088, C>A on the plus strand (G>T on the coding strand, the complement: KMT5B is on the minus strand). VCF-style: chr11-68171088-C-A. GRCh37 (hg19) VCF-style: chr11-67938555-C-A.
Other names: c.904G>T, p.Glu302Ter (NM_001369426.1, NM_001369427.1, NM_016028.4 and 1 more transcripts); c.388G>T, p.Glu130Ter (NM_001369428.1, NM_001369429.1, NM_001369430.1 and 5 more transcripts); c.184G>T, p.Glu62Ter (NM_001300908.2); c.835G>T, p.Glu279Ter (NM_001300909.2); c.691G>T, p.Glu231Ter (NM_001369425.1); short protein forms E130*, E231*, E279*, E302*, E62*.
Identifiers: ClinVar variation 4883186 (VCV004883186.2).

ClinVar aggregate classification (germline): Likely pathogenic (1 of 4 stars; one submission).

Conditions:
Complex neurodevelopmental disorder. Identifiers: Orphanet 528084, MedGen C5568766, MONDO:0100038.

Submission:

Dasa
Classification: Likely pathogenic for Complex neurodevelopmental disorder. Last evaluated: 2026-01-30. Review status: criteria provided, single submitter. Criteria: DASA Assertion Criteria. Collection method: clinical testing. Allele origin: germline.
Comment: NM_017635.5(KMT5B):c.904G>T (p.Glu302*) is a nonsense variant in KMT5B predicted to introduce a premature termination codon and is predicted to result in an absent or altered protein product. Loss of function is an established disease mechanism for KMT5B (PMID: 28191889; PMID: 29276005; PMID: 31238879). Also, this variant is absent from population databases. Based on the currently available evidence, this variant is classified as likely pathogenic.

Literature cited by the submitters: PubMed 28191889; PubMed 29276005; PubMed 31238879.